The following is an entry in ClinVar:

NM_080473.5(GATA5):c.375G>T (p.Gln125His)

Gene: GATA5 (GATA binding protein 5; minus strand). Cytogenetic location: 20q13.33.
Variant type: single nucleotide variant.
Coding change: c.375G>T on transcript NM_080473.5 (MANE Select); coding-DNA position 375, G replaced by T.
Protein change: p.Gln125His; replaces glutamine 125 with histidine.
Molecular consequence: missense variant.
Genome position (GRCh38, 1-based): chr20:62,475,147, C>A on the plus strand (G>T on the coding strand, the complement: GATA5 is on the minus strand). VCF-style: chr20-62475147-C-A. GRCh37 (hg19) VCF-style: chr20-61050203-C-A.
Other names: short protein forms Q125H.
Identifiers: ClinVar variation 2044763 (VCV002044763.4), dbSNP rs2516446765, ClinGen allele CA409556514.
Genomic context (GRCh38, chr20:62,475,147, plus strand): 5'-GTAGGCCGGGTAGGTGGCGGAGTACGAGGTCCCCACCGGCCGCCCAAGCGGGGCCGCGAA[C>A]TGTTCTCGAGGCAACAGCGCGCCCTGGTAGGCACTGCCGTCTCGGCCCCCCGCGCTGCCG-3'
Protein context (NP_536721.1, residues 115-135): AYQGALLPRE[Gln125His]FAAPLGRPVG

ClinVar aggregate classification (germline): Uncertain significance (1 of 4 stars; one submission).

Submission:

Labcorp Genetics (formerly Invitae), Labcorp
Classification: Uncertain significance. Last evaluated: 2021-12-17. Review status: criteria provided, single submitter. Criteria: Invitae Variant Classification Sherloc (09022015). Collection method: clinical testing. Allele origin: germline.
Comment: This sequence change replaces glutamine, which is neutral and polar, with histidine, which is basic and polar, at codon 125 of the GATA5 protein (p.Gln125His). This variant is not present in population databases (gnomAD no frequency). This variant has not been reported in the literature in individuals affected with GATA5-related conditions. Algorithms developed to predict the effect of missense changes on protein structure and function output the following: SIFT: "Deleterious"; PolyPhen-2: "Benign"; Align-GVGD: "Class C0". The histidine amino acid residue is found in multiple mammalian species, which suggests that this missense change does not adversely affect protein function. In summary, the available evidence is currently insufficient to determine the role of this variant in disease. Therefore, it has been classified as a Variant of Uncertain Significance.